The following is an entry in ClinVar:

NM_018993.4(RIN2):c.1135G>C (p.Gly379Arg)

Gene: RIN2 (Ras and Rab interactor 2; plus strand). Cytogenetic location: 20p11.23.
Variant type: single nucleotide variant.
Coding change: c.1135G>C on transcript NM_018993.4 (MANE Select); coding-DNA position 1135, G replaced by C.
Protein change: p.Gly379Arg; replaces glycine 379 with arginine.
Molecular consequence: missense variant.
Genome position (GRCh38, 1-based): chr20:19,975,160, G>C. VCF-style: chr20-19975160-G-C. GRCh37 (hg19) VCF-style: chr20-19955804-G-C.
Other names: c.1282G>C (NM_001242581.1); c.1282G>C, p.Gly428Arg (NM_001242581.2); c.517G>C, p.Gly173Arg (NM_001378238.1); short protein forms G173R, G428R, G379R.
Identifiers: ClinVar variation 1898563 (VCV001898563.3), dbSNP rs1443478057, ClinGen allele CA408361963.

ClinVar aggregate classification (germline): Uncertain significance. Review status: criteria provided, multiple submitters, no conflicts (2 of 4 stars). 2 submissions from 2 submitters: Uncertain significance (2). Last evaluated 2026-02-24.

Conditions:
RIN2-related disorder. Also called: RIN2-related condition.

gnomAD v4.1: 6 of 1,612,154 alleles (0.00037%); highest among the groups gnomAD compares: Non-Finnish European, 0.00051%; no homozygotes.

Submissions (2):

PreventionGenetics, part of Exact Sciences
Classification: Uncertain significance for RIN2-related condition. Last evaluated: 2026-02-24. Review status: criteria provided, single submitter. Criteria: ACMG Guidelines, 2015. Collection method: clinical testing. Allele origin: germline.
Comment: The RIN2 c.1282G>C variant is predicted to result in the amino acid substitution p.Gly428Arg. To our knowledge, this variant has not been reported in the literature or in a large population database (gnomAD), indicating this variant is rare. At this time, the clinical significance of this variant is uncertain due to the absence of conclusive functional and genetic evidence.

Labcorp Genetics (formerly Invitae), Labcorp
Classification: Uncertain significance. Last evaluated: 2022-08-20. Review status: criteria provided, single submitter. Criteria: Invitae Variant Classification Sherloc (09022015). Collection method: clinical testing. Allele origin: germline.
Comment: This sequence change replaces glycine, which is neutral and non-polar, with arginine, which is basic and polar, at codon 379 of the RIN2 protein (p.Gly379Arg). This variant is not present in population databases (gnomAD no frequency). This variant has not been reported in the literature in individuals affected with RIN2-related conditions. Algorithms developed to predict the effect of missense changes on protein structure and function are either unavailable or do not agree on the potential impact of this missense change (SIFT: "Tolerated"; PolyPhen-2: "Not Available"; Align-GVGD: "Class C0"). In summary, the available evidence is currently insufficient to determine the role of this variant in disease. Therefore, it has been classified as a Variant of Uncertain Significance.